The following is an entry in ClinVar:

NM_003664.5(AP3B1):c.647C>T (p.Pro216Leu)

Gene: AP3B1 (adaptor related protein complex 3 subunit beta 1; minus strand). Cytogenetic location: 5q14.1.
Variant type: single nucleotide variant.
Coding change: c.647C>T on transcript NM_003664.5 (MANE Select); coding-DNA position 647, C replaced by T.
Protein change: p.Pro216Leu; replaces proline 216 with leucine.
Molecular consequence: missense variant.
Genome position (GRCh38, 1-based): chr5:78,216,194, G>A on the plus strand (C>T on the coding strand, the complement: AP3B1 is on the minus strand). VCF-style: chr5-78216194-G-A. GRCh37 (hg19) VCF-style: chr5-77512018-G-A.
Other names: c.500C>T, p.Pro167Leu (NM_001271769.2); short protein forms P216L, P167L.
Identifiers: ClinVar variation 936895 (VCV000936895.9), dbSNP rs762212366, ClinGen allele CA3317312.

ClinVar aggregate classification (germline): Uncertain significance (1 of 4 stars; one submission).

Conditions:
Hermansky-Pudlak syndrome 2 (HPS2). Also called: Platelet defects and oculocutaneous albinism. Identifiers: Orphanet 183678, Orphanet 79430, MedGen C1842362, MONDO:0011997, OMIM 608233.

Allele frequency attached by ClinVar (database versions not stated): gnomAD exomes below 0.00001; TOPMed below 0.00001; ExAC 0.00001.
gnomAD v4.1: 3 of 1,613,858 alleles (0.00019%); highest among the groups gnomAD compares: Non-Finnish European, 0.00017%; no homozygotes.

Submission:

Labcorp Genetics (formerly Invitae), Labcorp
Classification: Uncertain significance for Hermansky-Pudlak syndrome 2. Last evaluated: 2019-06-15. Review status: criteria provided, single submitter. Criteria: Invitae Variant Classification Sherloc (09022015). Collection method: clinical testing. Allele origin: germline.
Comment: Algorithms developed to predict the effect of missense changes on protein structure and function are either unavailable or do not agree on the potential impact of this missense change (SIFT: "Deleterious"; PolyPhen-2: "Probably Damaging"; Align-GVGD: "Class C0"). In summary, the available evidence is currently insufficient to determine the role of this variant in disease. Therefore, it has been classified as a Variant of Uncertain Significance. This variant has not been reported in the literature in individuals with AP3B1-related conditions. This variant is present in population databases (rs762212366, ExAC 0.01%). This sequence change replaces proline with leucine at codon 216 of the AP3B1 protein (p.Pro216Leu). The proline residue is highly conserved and there is a moderate physicochemical difference between proline and leucine.